The following is an entry in ClinVar:

ClinVar aggregate classification (germline): Uncertain significance (1 of 4 stars; one submission).

Conditions:
Cardiovascular phenotype. Identifiers: MedGen CN230736.

Allele frequency attached by ClinVar (database versions not stated): ExAC 0.00001; gnomAD exomes 0.00001.
gnomAD v4.1: 18 of 1,613,860 alleles (0.0011%); highest among the groups gnomAD compares: East Asian, 0.0022%; no homozygotes.

Submission:

Ambry Genetics
Classification: Uncertain significance for Cardiovascular phenotype. Last evaluated: 2023-09-06. Review status: criteria provided, single submitter. Criteria: Ambry Variant Classification Scheme 2023. Collection method: clinical testing. Allele origin: germline.
Comment: The p.T838M variant (also known as c.2513C>T), located in coding exon 23 of the ANK2 gene, results from a C to T substitution at nucleotide position 2513. The threonine at codon 838 is replaced by methionine, an amino acid with similar properties. This amino acid position is highly conserved in available vertebrate species. In addition, this alteration is predicted to be deleterious by in silico analysis. Since supporting evidence is limited at this time, the clinical significance of this alteration remains unclear.

NM_001148.6(ANK2):c.2513C>T (p.Thr838Met)

Gene: ANK2 (ankyrin 2; plus strand). Cytogenetic location: 4q26.
Variant type: single nucleotide variant.
Coding change: c.2513C>T on transcript NM_001148.6 (MANE Select); coding-DNA position 2513, C replaced by T.
Protein change: p.Thr838Met; replaces threonine 838 with methionine.
Molecular consequence: missense variant.
Genome position (GRCh38, 1-based): chr4:113,302,804, C>T. VCF-style: chr4-113302804-C-T. GRCh37 (hg19) VCF-style: chr4-114223960-C-T.
Other names: c.2450C>T, p.Thr817Met (NM_001127493.3, NM_001354239.2, NM_001354243.2 and 10 more transcripts); c.2513C>T, p.Thr838Met (NM_001354225.2, NM_001354228.2, NM_001354232.2 and 6 more transcripts); c.2558C>T, p.Thr853Met (NM_001354230.2, NM_001354231.2, NM_001354237.2 and 5 more transcripts); c.2414C>T, p.Thr805Met (NM_001354245.2, NM_001354268.2); c.2426C>T, p.Thr809Met (NM_001354249.2, NM_001354264.2, NM_001354266.2 and 10 more transcripts); c.2351C>T, p.Thr784Met (NM_001354253.2, NM_001354257.2, NM_001354270.2 and 1 more transcripts); c.2327C>T, p.Thr776Met (NM_001354260.2, NM_001354271.2, NM_001386151.1); c.2471C>T, p.Thr824Met (NM_001354261.2, NM_001386147.1, NM_001386160.1); and 9 more; short protein forms T768M, T772M, T809M, T817M, T824M, T826M, T834M, T847M.
Identifiers: ClinVar variation 2585813 (VCV002585813.2), dbSNP rs779991081, ClinGen allele CA3050595.
Genomic context (GRCh38, chr4:113,302,804, plus strand): 5'-ATTAATGATTTTTGTTTTTCCAGACTATTACAGAAAAACACAAACTAAATGTACCTGAGA[C>T]GATGACTGAGGTTCTTGATGTTTCTGATGAAGAGGGTAAGACTTCTATTCAATCTTCTAT-3'
Protein context (NP_001139.3, residues 828-848): TEKHKLNVPE[Thr838Met]MTEVLDVSDE